The following is an entry in ClinVar:

ClinVar aggregate classification (germline): Pathogenic (1 of 4 stars; one submission).

Conditions:
Hereditary cancer-predisposing syndrome. Also called: Tumor predisposition; Hereditary neoplastic syndrome; Neoplastic Syndromes, Hereditary; Hereditary Cancer Syndrome. Identifiers: Orphanet 140162, MedGen C0027672, MeSH D009386, MONDO:0015356.

Submission:

Ambry Genetics
Classification: Pathogenic for Hereditary cancer-predisposing syndrome. Last evaluated: 2025-04-21. Review status: criteria provided, single submitter. Criteria: Ambry Variant Classification Scheme 2023. Collection method: clinical testing. Allele origin: germline.
Comment: The c.2955dupC pathogenic mutation, located in coding exon 9 of the BRCA1 gene, results from a duplication of C at nucleotide position 2955, causing a translational frameshift with a predicted alternate stop codon (p.I986Hfs*6). This variant is considered to be rare based on population cohorts in the Genome Aggregation Database (gnomAD). This alteration is expected to result in loss of function by premature protein truncation or nonsense-mediated mRNA decay. As such, this alteration is interpreted as a disease-causing mutation.

NM_007294.4(BRCA1):c.2955dup (p.Ile986fs)

Gene: BRCA1 (BRCA1 DNA repair associated; minus strand). Cytogenetic location: 17q21.31.
Variant type: Duplication.
Coding change: c.2955dup on transcript NM_007294.4 (MANE Select); coding-DNA position 2955, one base duplicated (C; older notation c.2955dupC).
Protein change: p.Ile986fs; shifts the reading frame from isoleucine 986.
Molecular consequence: frameshift variant. On other transcripts: intron variant (137).
Genome position (GRCh38, 1-based): chr17:43,092,576, G duplicated on the plus strand (C on the coding strand, the reverse complement: BRCA1 is on the minus strand); the first of 3 consecutive G bases (chr17:43,092,576-43,092,578); duplicating any one gives the same sequence. VCF-style (leftmost placement, unchanged base first): chr17-43092575-T-TG. GRCh37 (hg19) VCF-style: chr17-41244592-T-TG.
Other names: c.2955dup, p.Ile986fs (NM_001407641.1, NM_001407642.1, NM_007300.4 and 30 more transcripts); c.2946dup, p.Ile983fs (NM_001407646.1, NM_001407647.1); c.2952dup, p.Ile985fs (NM_001407644.1, NM_001407645.1, NM_001407860.1 and 22 more transcripts); c.2811dup, p.Ile938fs (NM_001407964.1, NM_001407943.1, NM_001407742.1 and 20 more transcripts); c.2451dup, p.Ile818fs (NM_001407965.1); c.2067dup, p.Ile690fs (NM_001407966.1, NM_001407967.1); c.2814dup, p.Ile939fs (NM_007297.4, NM_001407942.1, NM_001407944.1 and 29 more transcripts); c.647-1544dup (NM_001408458.1, NM_001408469.1, NM_001408453.1 and 11 more transcripts); and 42 more; short protein forms I818fs, I875fs, I897fs, I916fs, I919fs, I986fs, I858fs, I859fs.
Identifiers: ClinVar variation 3992606 (VCV003992606.1).
Genomic context (GRCh38, chr17:43,092,575, plus strand): 5'-GTTCCTCAAAGTTTTCCTCTAGCAGATTTTTCTTACATTTAGTTTTAACAAATGACTTGA[T>TG]GGGAAAAAGTGGTGGTATACGATATGGGTTTTGTAAAAGTCCATGTTTATTTGGAGTAAT-3'